The following is an entry in ClinVar:

NM_003718.5(CDK13):c.547TCC[2] (p.Ser185del)

Gene: CDK13 (cyclin dependent kinase 13; plus strand). Cytogenetic location: 7p14.1.
Variant type: Microsatellite.
Coding change: c.547TCC[2] on transcript NM_003718.5 (MANE Select); two copies in a row of the 3-base unit TCC starting at c.547; the reference has three copies in a row; one copy, 3 bases deleted.
Protein change: p.Ser185del; deletes serine 185.
Molecular consequence: inframe indel (on NM_031267.4).
Genome position (GRCh38, 1-based): chr7:39,951,194-39,951,196, TCC deleted; deleting any 3 consecutive bases within chr7:39,951,186-39,951,196 gives the same sequence; the position shown is the placement nearest the transcript's 3' end. VCF-style (leftmost placement, unchanged base first): chr7-39951185-GCCT-G. GRCh37 (hg19) VCF-style: chr7-39990784-GCCT-G.
Other names: c.547_549TCC[2], p.Ser185del (NM_031267.4); short protein forms S185del.
Identifiers: ClinVar variation 2442739 (VCV002442739.1), dbSNP rs1331864893, ClinGen allele CA574230813.

ClinVar aggregate classification (germline): Uncertain significance (1 of 4 stars; one submission).

Submission:

GeneDx
Classification: Uncertain significance. Last evaluated: 2023-02-25. Review status: criteria provided, single submitter. Criteria: GeneDx Variant Classification Process June 2021. Collection method: clinical testing. Allele origin: germline. Affected: yes.
Comment: Not observed at significant frequency in large population cohorts (gnomAD); In-frame deletion of 1 amino acid in a non-repeat region; In silico analysis supports that this variant does not alter protein structure/function; Has not been previously published as pathogenic or benign to our knowledge